The following is an entry in ClinVar:

NM_201384.3(PLEC):c.11588G>A (p.Arg3863Gln)

Gene: PLEC (plectin; minus strand). Cytogenetic location: 8q24.3.
Variant type: single nucleotide variant.
Coding change: c.11588G>A on transcript NM_201384.3 (MANE Select); coding-DNA position 11588, G replaced by A.
Protein change: p.Arg3863Gln; replaces arginine 3863 with glutamine.
Molecular consequence: missense variant.
Genome position (GRCh38, 1-based): chr8:143,918,233, C>T on the plus strand (G>A on the coding strand, the complement: PLEC is on the minus strand). VCF-style: chr8-143918233-C-T. GRCh37 (hg19) VCF-style: chr8-144992401-C-T.
Other names: c.11669G>A, p.Arg3890Gln (NM_000445.5); c.11546G>A, p.Arg3849Gln (NM_201378.4); c.11522G>A, p.Arg3841Gln (NM_201379.3); c.11999G>A, p.Arg4000Gln (NM_201380.4); c.11492G>A, p.Arg3831Gln (NM_201381.3); c.11588G>A, p.Arg3863Gln (NM_201382.4); c.11600G>A, p.Arg3867Gln (NM_201383.3); c.11669G>A (NM_000445.3); short protein forms R3867Q, R4000Q, R3841Q, R3863Q, R3890Q, R3831Q, R3849Q.
Identifiers: ClinVar variation 282754 (VCV000282754.18), dbSNP rs781893455, ClinGen allele CA4924305.

ClinVar aggregate classification (germline): Uncertain significance. Review status: criteria provided, multiple submitters, no conflicts (2 of 4 stars). 5 submissions from 5 submitters: Uncertain significance (5). Last evaluated 2025-10-29.

Conditions:
Inborn genetic diseases. Identifiers: MedGen C0950123, MeSH D030342.
Epidermolysis bullosa simplex with nail dystrophy (EBS5D). Identifiers: MedGen C4225309, MONDO:0014661, OMIM 616487.
Epidermolysis bullosa simplex 5C, with pyloric atresia (EBS5C). Also called: PLEC-Related Epidermolysis Bullosa with Pyloric Atresia; Epidermolysis bullosa simplex with pyloric atresia; PLEC1-Related Epidermolysis Bullosa with Pyloric Atresia. Identifiers: Orphanet 158684, MedGen C2677349, MONDO:0012807, OMIM 612138.
Autosomal recessive limb-girdle muscular dystrophy type 2Q (LGMDR17). Also called: MUSCULAR DYSTROPHY, LIMB-GIRDLE, AUTOSOMAL RECESSIVE 17. Identifiers: Orphanet 254361, MedGen C3150989, MONDO:0013390, OMIM 613723.
Epidermolysis bullosa simplex 5B, with muscular dystrophy (EBS5B). Also called: EPIDERMOLYSIS BULLOSA SIMPLEX AND LIMB-GIRDLE MUSCULAR DYSTROPHY; Epidermolysis bullosa simplex with muscular dystrophy. Identifiers: Orphanet 257, MedGen C2931072, MONDO:0009181, OMIM 226670.
Epidermolysis bullosa simplex, Ogna type (EBS5A). Also called: Pidermolysis bullosa simplex 5A, Ogna type; EPIDERMOLYSIS BULLOSA SIMPLEX 5A, OGNA TYPE. Identifiers: Orphanet 79401, MedGen C0432317, MONDO:0007555, OMIM 131950.

Allele frequency attached by ClinVar (database versions not stated): ExAC 0.00002; gnomAD 0.00003; TOPMed 0.00004.
gnomAD v4.1: 79 of 1,585,200 alleles (0.005%); highest among the groups gnomAD compares: African/African-American, 0.012%; no homozygotes.

Submissions (5):

Labcorp Genetics (formerly Invitae), Labcorp
Classification: Uncertain significance for Autosomal recessive limb-girdle muscular dystrophy type 2Q; Epidermolysis bullosa simplex, Ogna type; Epidermolysis bullosa simplex with nail dystrophy; Epidermolysis bullosa simplex 5C, with pyloric atresia; Epidermolysis bullosa simplex 5B, with muscular dystrophy. Last evaluated: 2025-10-29. Review status: criteria provided, single submitter. Criteria: Invitae Variant Classification Sherloc (09022015). Collection method: clinical testing. Allele origin: germline.
Comment: This sequence change replaces arginine, which is basic and polar, with glutamine, which is neutral and polar, at codon 3890 of the PLEC protein (p.Arg3890Gln). This variant is present in population databases (rs781893455, gnomAD 0.008%). This variant has not been reported in the literature in individuals affected with PLEC-related conditions. ClinVar contains an entry for this variant (Variation ID: 282754). An algorithm developed to predict the effect of missense changes on protein structure and function (PolyPhen-2) suggests that this variant is likely to be disruptive. In summary, the available evidence is currently insufficient to determine the role of this variant in disease. Therefore, it has been classified as a Variant of Uncertain Significance.

Ambry Genetics
Classification: Uncertain significance for Inborn genetic diseases. Last evaluated: 2025-04-25. Review status: criteria provided, single submitter. Criteria: Ambry Variant Classification Scheme 2023. Collection method: clinical testing. Allele origin: germline.

Revvity Omics, Revvity
Classification: Uncertain significance. Last evaluated: 2021-09-19. Review status: criteria provided, single submitter. Criteria: ACMG Guidelines, 2015. Collection method: clinical testing. Allele origin: germline.

Eurofins Ntd Llc (ga)
Classification: Uncertain significance. Last evaluated: 2015-08-25. Review status: criteria provided, single submitter. Criteria: EGL Classification Definitions 2015. Collection method: clinical testing. Allele origin: germline. Observed: 4 variant alleles, 4 heterozygotes.

Breakthrough Genomics
Classification: Uncertain significance. Review status: criteria provided, single submitter. Criteria: ACMG Guidelines, 2015. Collection method: not provided. Allele origin: germline. Inheritance: Autosomal recessive inheritance. Affected: yes.